The following is an entry in ClinVar:

ClinVar aggregate classification (germline): Uncertain significance (1 of 4 stars; one submission).

Conditions:
Ehlers-Danlos syndrome, dermatosparaxis type. Also called: EDS VIIC; Dermatosparaxis; Ehlers-Danlos syndrome, type VII, autosomal recessive. Identifiers: Orphanet 1901, MedGen C2700425, MONDO:0009161, OMIM 225410.

gnomAD v4.1: 2 of 1,604,984 alleles (0.00012%); highest among the groups gnomAD compares: Non-Finnish European, 0.00017%; no homozygotes.

Submission:

Labcorp Genetics (formerly Invitae), Labcorp
Classification: Uncertain significance for Ehlers-Danlos syndrome, dermatosparaxis type. Last evaluated: 2025-01-13. Review status: criteria provided, single submitter. Criteria: Invitae Variant Classification Sherloc (09022015). Collection method: clinical testing. Allele origin: germline.
Comment: This sequence change replaces proline, which is neutral and non-polar, with histidine, which is basic and polar, at codon 983 of the ADAMTS2 protein (p.Pro983His). This variant is not present in population databases (gnomAD no frequency). This variant has not been reported in the literature in individuals affected with ADAMTS2-related conditions. An algorithm developed to predict the effect of missense changes on protein structure and function (PolyPhen-2) suggests that this variant is likely to be tolerated. In summary, the available evidence is currently insufficient to determine the role of this variant in disease. Therefore, it has been classified as a Variant of Uncertain Significance.

NM_014244.5(ADAMTS2):c.2948C>A (p.Pro983His)

Gene: ADAMTS2 (ADAM metallopeptidase with thrombospondin type 1 motif 2; minus strand). Cytogenetic location: 5q35.3.
Variant type: single nucleotide variant.
Coding change: c.2948C>A on transcript NM_014244.5 (MANE Select); coding-DNA position 2948, C replaced by A.
Protein change: p.Pro983His; replaces proline 983 with histidine.
Molecular consequence: missense variant.
Genome position (GRCh38, 1-based): chr5:179,124,983, G>T on the plus strand (C>A on the coding strand, the complement: ADAMTS2 is on the minus strand). VCF-style: chr5-179124983-G-T. GRCh37 (hg19) VCF-style: chr5-178551984-G-T.
Other names: short protein forms P983H.
Identifiers: ClinVar variation 3707240 (VCV003707240.2).